The following is an entry in ClinVar:

NM_001135629.3(PPP1R21):c.175A>G (p.Met59Val)

Gene: PPP1R21 (protein phosphatase 1 regulatory subunit 21; plus strand). Cytogenetic location: 2p16.3.
Variant type: single nucleotide variant.
Coding change: c.175A>G on transcript NM_001135629.3 (MANE Select); coding-DNA position 175, A replaced by G.
Protein change: p.Met59Val; replaces methionine 59 with valine.
Molecular consequence: missense variant. On other transcripts: non-coding transcript variant (1).
Genome position (GRCh38, 1-based): chr2:48,454,643, A>G. VCF-style: chr2-48454643-A-G. GRCh37 (hg19) VCF-style: chr2-48681782-A-G.
Other names: c.175A>G, p.Met59Val (NM_001193475.2, NM_152994.5); short protein forms M59V.
Identifiers: ClinVar variation 4077231 (VCV004077231.2).
Genomic context (GRCh38, chr2:48,454,643, plus strand): 5'-ACTTTGATATAGGAGCAACTGAAAATGAAGGATCAGTCATTGAGAAAACTACAACAGGAA[A>G]TGGACAGTTTGACATTTCGAAATCTGCAGCTTGCCAAGAGGGTAGAACTACTTCAAGATG-3'
Protein context (NP_001129101.1, residues 49-69): DQSLRKLQQE[Met59Val]DSLTFRNLQL

ClinVar aggregate classification (germline): Uncertain significance. Review status: criteria provided, multiple submitters, no conflicts (2 of 4 stars). 2 submissions from 2 submitters: Uncertain significance (2). Last evaluated 2025-12-23.

Conditions:
PPP1R21-related disorder. Also called: PPP1R21-related condition.

gnomAD v4.1: 1 of 1,614,126 alleles (0.000062%); highest among the groups gnomAD compares: Non-Finnish European, 0.000085%; no homozygotes.

Submissions (2):

PreventionGenetics, part of Exact Sciences
Classification: Uncertain significance for PPP1R21-related condition. Last evaluated: 2025-12-23. Review status: criteria provided, single submitter. Criteria: ACMG Guidelines, 2015. Collection method: clinical testing. Allele origin: germline.
Comment: The PPP1R21 c.175A>G variant is predicted to result in the amino acid substitution p.Met59Val. To our knowledge, this variant has not been reported in the literature or in a large population database (gnomAD), indicating this variant is rare. At this time, the clinical significance of this variant is uncertain due to the absence of conclusive functional and genetic evidence.

GeneDx
Classification: Uncertain significance. Last evaluated: 2025-02-25. Review status: criteria provided, single submitter. Criteria: GeneDx Variant Classification Process June 2021. Collection method: clinical testing. Allele origin: germline. Affected: yes.
Comment: Not observed at significant frequency in large population cohorts (gnomAD); In silico analysis indicates that this missense variant does not alter protein structure/function; Has not been previously published as pathogenic or benign to our knowledge